The following is an entry in ClinVar:

ClinVar aggregate classification (germline): Uncertain significance (1 of 4 stars; one submission).

Conditions:
Generalized dominant dystrophic epidermolysis bullosa (DDEB). Also called: DDEB, generalized; DDEB-gen; DYSTROPHIC EPIDERMOLYSIS BULLOSA, AUTOSOMAL DOMINANT; Epidermolysis bullosa dystrophica, autosomal dominant; Dominant DEB (DDEB). Identifiers: Orphanet 231568, MedGen C0432322, MONDO:0007549, OMIM 131750.

Submission:

Neuberg Centre For Genomic Medicine, NCGM
Classification: Uncertain significance for Generalized dominant dystrophic epidermolysis bullosa. Review status: criteria provided, single submitter. Criteria: ACMG Guidelines, 2015. Collection method: clinical testing. Allele origin: germline. Inheritance: Autosomal dominant inheritance. Affected: yes.
Comment: The missense variant c.811G>C (p.Gly271Arg) in COL7A1 gene has not been reported previously as a pathogenic variant nor as a benign variant, to our knowledge. The p.Gly271Arg variant is novel (not in any individuals) in gnomAD Exomes and 1000 Genomes. The amino acid Gly at position 271 is changed to a Arg changing protein sequence and it might alter its composition and physico-chemical properties. The amino acid change p.Gly271Arg in COL7A1 is predicted as conserved by GERP++ and PhyloP across 100 vertebrates. For these reasons, this variant has been classified as Uncertain Significance.

NM_000094.4(COL7A1):c.811G>C (p.Gly271Arg)

Gene: COL7A1 (collagen type VII alpha 1 chain; minus strand). Cytogenetic location: 3p21.31.
Variant type: single nucleotide variant.
Coding change: c.811G>C on transcript NM_000094.4 (MANE Select); coding-DNA position 811, G replaced by C.
Protein change: p.Gly271Arg; replaces glycine 271 with arginine.
Molecular consequence: missense variant.
Genome position (GRCh38, 1-based): chr3:48,592,810, C>G on the plus strand (G>C on the coding strand, the complement: COL7A1 is on the minus strand). VCF-style: chr3-48592810-C-G. GRCh37 (hg19) VCF-style: chr3-48630243-C-G.
Other names: short protein forms G271R.
Identifiers: ClinVar variation 2584822 (VCV002584822.1), dbSNP rs2531335596, ClinGen allele CA352741375.
Genomic context (GRCh38, chr3:48,592,810, plus strand): 5'-CCACCTATCACTCCTGACATCCTACCTCCTGCCGCTCACTCGGCAGTGGCTGTCCCAGCC[C>G]CGTCAGAGGAGTGTACTGGACCTTGTAGCCAGTCACAGGGCCACTGGCCGCTGTCCACTG-3'
Protein context (NP_000085.1, residues 261-281): GYKVQYTPLT[Gly271Arg]LGQPLPSERQ